The following is an entry in ClinVar:

GRCh37/hg19 8q24.23-24.3(chr8:139692209-141412715)x3

Genes: C8orf17 (chromosome 8 putative open reading frame 17; plus strand), COL22A1 (collagen type XXII alpha 1 chain; minus strand), KCNK9 (potassium two pore domain channel subfamily K member 9; minus strand), TRAPPC9 (trafficking protein particle complex subunit 9; minus strand). Cytogenetic location: 8q24.23-24.3.
Variant type: copy number gain.
Change: copy number 3 (three copies instead of two) of chr8:139,692,209-141,412,715 (1.72 Mb, GRCh37 coordinates, 1-based), cytogenetic band 8q24.23-24.3.
Identifiers: ClinVar variation 1328458 (VCV001328458.4).

ClinVar aggregate classification (germline): Uncertain significance (1 of 4 stars; one submission).

Submission:

Illumina Laboratory Services, Illumina
Classification: Uncertain significance. Last evaluated: 2021-05-26. Review status: criteria provided, single submitter. Criteria: ICSL CNVClassificationCriteria Aug2020. Collection method: clinical testing. Allele origin: unknown.
Comment: This CNV is an inherited 1.7 Mb duplication of 8q24.23-q24.3 on chromosome 8, (seq[GRCh37]dup(8)(8q24.23q24.3); chr8:g.139692209_141412715dup). This CNV constitutes a gain encompassing four protein coding genes, including C8orf17, KCNK9, COL22A1, and TRAPPC9. The breakpoints lie within the COL22A1 and TRAPPC9 genes. CNV gains in this region have been reported in individuals in the Decipher database with global developmental delay, intellectual disability, tall stature, delayed speech and language development, and autism, however their contribution to disease is uncertain (Firth et al. 2009). This CNV has not been reported in controls (MacDonald et al. 2014; Coe et al. 2014). Based on the available evidence, this CNV is classified as a variant of uncertain significance.

Literature cited by the submitters: PubMed 19344873; PubMed 24174537; PubMed 25217958.